The following is an entry in ClinVar:

NM_001465.6(FYB1):c.243G>A (p.Pro81=)

Gene: FYB1 (FYN binding protein 1; minus strand). Cytogenetic location: 5p13.1.
Variant type: single nucleotide variant.
Coding change: c.243G>A on transcript NM_001465.6 (MANE Select); coding-DNA position 243, G replaced by A.
Protein change: p.Pro81=; no amino-acid change (proline 81 retained).
Molecular consequence: synonymous variant.
Genome position (GRCh38, 1-based): chr5:39,202,718, C>T on the plus strand (G>A on the coding strand, the complement: FYB1 is on the minus strand). VCF-style: chr5-39202718-C-T. GRCh37 (hg19) VCF-style: chr5-39202820-C-T.
Other names: c.273G>A (NM_001243093.1); c.273G>A, p.Pro91= (NM_001243093.2, NM_018594.2); c.243G>A, p.Pro81= (NM_001349333.2, NM_199335.5).
Identifiers: ClinVar variation 2571222 (VCV002571222.29), dbSNP rs370543019, ClinGen allele CA3246535.
Genomic context (GRCh38, chr5:39,202,718, plus strand): 5'-TCTGGTGGTCAAGCTGGCTGGTGTTCCGAATCTTTGGCCTGCTCCAGTGGGCTTTAGAAA[C>T]GGGGGCTTGGGTTCCTTGTCAGGCTTTTCCTCAGAAGAAGGTTTGACTGCCACAGGTGGC-3'
Protein context (NP_001456.3, residues 71-91): EEKPDKEPKP[Pro81=]FLKPTGAGQR

ClinVar aggregate classification (germline): Likely benign. Review status: criteria provided, multiple submitters, no conflicts (2 of 4 stars). 3 submissions from 3 submitters: Likely benign (2). 1 of the submissions does not count toward it. Last evaluated 2024-02-20.

Conditions:
FYB1-related disorder. Also called: FYB1-related condition.

Allele frequency attached by ClinVar (database versions not stated): 1000 Genomes Project 30x 0.00016; ESP Exome Variant Server 0.00017; 1000 Genomes Project 0.00020; gnomAD 0.00020; TOPMed 0.00026; ExAC 0.00030.
gnomAD v4.1: 311 of 1,613,640 alleles (0.019%); highest among the groups gnomAD compares: Admixed American, 0.11%; no homozygotes.

Submissions (3):

Blueprint Genetics
Classification: Likely benign. Last evaluated: 2024-02-20. Review status: criteria provided, single submitter. Criteria: ACMG Guidelines, 2015. Collection method: clinical testing. Allele origin: germline.

CeGaT Center for Human Genetics Tuebingen
Classification: Likely benign. Last evaluated: 2023-06-01. Review status: criteria provided, single submitter. Criteria: CeGaT Center For Human Genetics Tuebingen Variant Classification Criteria Version 2. Collection method: clinical testing. Allele origin: germline. Affected: yes. Observed: 1 variant allele.
Comment: FYB1: BP4, BP7

PreventionGenetics, part of Exact Sciences
Classification: Likely benign for FYB1-related condition. Last evaluated: 2019-08-14. Review status: no assertion criteria provided. Collection method: clinical testing. Allele origin: germline. Not counted in ClinVar's aggregate classification.
Comment: This variant is classified as likely benign based on ACMG/AMP sequence variant interpretation guidelines (Richards et al. 2015 PMID: 25741868, with internal and published modifications).